The following is an entry in ClinVar:

ClinVar aggregate classification (germline): Uncertain significance (1 of 4 stars; one submission).

Submission:

Ambry Genetics
Classification: Uncertain significance. Last evaluated: 2026-02-24. Review status: criteria provided, single submitter. Criteria: Ambry Variant Classification Scheme 2023. Collection method: clinical testing. Allele origin: germline.
Comment: The p.S1386A variant (also known as c.4156T>G), located in coding exon 37 of the KIF1B gene, results from a T to G substitution at nucleotide position 4156. The serine at codon 1386 is replaced by alanine, an amino acid with similar properties. This amino acid position is conserved. In addition, this alteration is predicted to be tolerated by in silico analysis. Based on the available evidence, the clinical significance of this variant remains unclear.

NM_001365951.3(KIF1B):c.4294T>G (p.Ser1432Ala)

Gene: KIF1B (kinesin family member 1B; plus strand). Cytogenetic location: 1p36.22.
Variant type: single nucleotide variant.
Coding change: c.4294T>G on transcript NM_001365951.3 (MANE Select); coding-DNA position 4294, T replaced by G.
Protein change: p.Ser1432Ala; replaces serine 1432 with alanine.
Molecular consequence: missense variant.
Genome position (GRCh38, 1-based): chr1:10,361,815, T>G. VCF-style: chr1-10361815-T-G. GRCh37 (hg19) VCF-style: chr1-10421873-T-G.
Other names: c.4294T>G, p.Ser1432Ala (NM_001365952.1); c.4156T>G, p.Ser1386Ala (NM_015074.3); short protein forms S1432A, S1386A.
Identifiers: ClinVar variation 4826086 (VCV004826086.1).